The following is an entry in ClinVar:

NM_000051.4(ATM):c.7310A>T (p.Tyr2437Phe)

Genes: ATM (ATM serine/threonine kinase; plus strand), C11orf65 (chromosome 11 open reading frame 65; minus strand). Cytogenetic location: 11q22.3.
Variant type: single nucleotide variant.
Coding change: c.7310A>T on transcript NM_000051.4 (MANE Select); coding-DNA position 7310, A replaced by T.
Protein change: p.Tyr2437Phe; replaces tyrosine 2437 with phenylalanine.
Molecular consequence: missense variant. On other transcripts: intron variant (2).
Genome position (GRCh38, 1-based): chr11:108,330,216, A>T. VCF-style: chr11-108330216-A-T. GRCh37 (hg19) VCF-style: chr11-108200943-A-T.
Other names: c.7310A>T, p.Tyr2437Phe (NM_001351834.2); c.641-21145T>A (NM_001330368.2); c.*38+5004T>A (NM_001351110.2); short protein forms Y2437F.
Identifiers: ClinVar variation 2802095 (VCV002802095.3), dbSNP rs1555122944, ClinGen allele CA382559865.

ClinVar aggregate classification (germline): Uncertain significance (1 of 4 stars; one submission).

Conditions:
Ataxia-telangiectasia syndrome (AT). Also called: LOUIS-BAR SYNDROME; Cerebello-oculocutaneous telangiectasia; Immunodeficiency with ataxia telangiectasia; Ataxia telangiectasia (A-T); Ataxia-telangiectasia, complementation group D; AT, COMPLEMENTATION GROUP C. Identifiers: Orphanet 100, MedGen C0004135, MONDO:0008840, OMIM 208900.

Submission:

Labcorp Genetics (formerly Invitae), Labcorp
Classification: Uncertain significance for Ataxia-telangiectasia syndrome. Last evaluated: 2023-11-11. Review status: criteria provided, single submitter. Criteria: Invitae Variant Classification Sherloc (09022015). Collection method: clinical testing. Allele origin: germline.
Comment: This sequence change replaces tyrosine, which is neutral and polar, with phenylalanine, which is neutral and non-polar, at codon 2437 of the ATM protein (p.Tyr2437Phe). This variant is not present in population databases (gnomAD no frequency). This variant has not been reported in the literature in individuals affected with ATM-related conditions. An algorithm developed to predict the effect of missense changes on protein structure and function (PolyPhen-2) suggests that this variant is likely to be disruptive. In summary, the available evidence is currently insufficient to determine the role of this variant in disease. Therefore, it has been classified as a Variant of Uncertain Significance.